The following is an entry in ClinVar:

NM_001276270.2(MBD4):c.1674T>C (p.Asn558=)

Gene: MBD4 (methyl-CpG binding domain 4, DNA glycosylase; minus strand). Cytogenetic location: 3q21.3.
Variant type: single nucleotide variant.
Coding change: c.1674T>C on transcript NM_001276270.2 (MANE Select); coding-DNA position 1674, T replaced by C.
Protein change: p.Asn558=; no amino-acid change (asparagine 558 retained).
Molecular consequence: synonymous variant. On other transcripts: 3 prime UTR variant (1).
Genome position (GRCh38, 1-based): chr3:129,431,552, A>G on the plus strand (T>C on the coding strand, the complement: MBD4 is on the minus strand). VCF-style: chr3-129431552-A-G. GRCh37 (hg19) VCF-style: chr3-129150395-A-G.
Other names: c.*16T>C (NM_001276272.2); c.738T>C, p.Asn246= (NM_001276273.2); c.1692T>C, p.Asn564= (NM_003925.3).
Identifiers: ClinVar variation 4875830 (VCV004875830.1).
Genomic context (GRCh38, chr3:129,431,552, plus strand): 5'-CTGCAGAGTTTAAGATAGACTTAATTTTTCATGATTTTCCCAAAGCCAGTCATGATATTT[A>G]TTTAATTTGTGGTCTTCAGGGTGCACCTGGAAGAAACATAAGATACAGAGGCAGAGACCT-3'
Protein context (NP_001263199.1, residues 548-568): KQVHPEDHKL[Asn558=]KYHDWLWENH

ClinVar aggregate classification (germline): Benign (1 of 4 stars; one submission).

Conditions:
Tumor predisposition syndrome 2 (TPDS2). Also called: MBD4-ASSOCIATED NEOPLASIA SYNDROME; MBD4-Related Tumor Predisposition Syndrome; MBD4-associated neoplasia syndrome (MANS). Identifiers: Orphanet 661526, MedGen C5774186, MONDO:0859267, OMIM 619975.

gnomAD v4.1: 2 of 1,613,030 alleles (0.00012%); highest among the groups gnomAD compares: East Asian, 0.0022%; no homozygotes.

Submission:

Myriad Genetics, Inc.
Classification: Benign for Tumor predisposition syndrome 2. Last evaluated: 2026-06-12. Review status: criteria provided, single submitter. Criteria: Myriad Autosomal Dominant, Autosomal Recessive and X-Linked Classification Criteria (2023). Collection method: clinical testing. Allele origin: unknown.
Comment: This variant is considered benign. This variant is a silent/synonymous amino acid change and it is not expected to impact splicing.